The following is an entry in ClinVar:

ClinVar aggregate classification (germline): Uncertain significance (1 of 4 stars; one submission).

Conditions:
Tuberous sclerosis 2 (TSC2). Identifiers: Orphanet 805, MedGen C1860707, MONDO:0013199, OMIM 613254.

Submission:

Labcorp Genetics (formerly Invitae), Labcorp
Classification: Uncertain significance for Tuberous sclerosis 2. Last evaluated: 2022-07-08. Review status: criteria provided, single submitter. Criteria: Invitae Variant Classification Sherloc (09022015). Collection method: clinical testing. Allele origin: germline.
Comment: This sequence change replaces serine, which is neutral and polar, with leucine, which is neutral and non-polar, at codon 487 of the TSC2 protein (p.Ser487Leu). This variant is not present in population databases (gnomAD no frequency). This variant has not been reported in the literature in individuals affected with TSC2-related conditions. ClinVar contains an entry for this variant (Variation ID: 1449690). Advanced modeling of protein sequence and biophysical properties (such as structural, functional, and spatial information, amino acid conservation, physicochemical variation, residue mobility, and thermodynamic stability) performed at Invitae indicates that this missense variant is not expected to disrupt TSC2 protein function. In summary, the available evidence is currently insufficient to determine the role of this variant in disease. Therefore, it has been classified as a Variant of Uncertain Significance.

NM_000548.5(TSC2):c.1460C>T (p.Ser487Leu)

Gene: TSC2 (TSC complex subunit 2; plus strand). Cytogenetic location: 16p13.3.
Variant type: single nucleotide variant.
Coding change: c.1460C>T on transcript NM_000548.5 (MANE Select); coding-DNA position 1460, C replaced by T.
Protein change: p.Ser487Leu; replaces serine 487 with leucine.
Molecular consequence: missense variant.
Genome position (GRCh38, 1-based): chr16:2,064,288, C>T. VCF-style: chr16-2064288-C-T. GRCh37 (hg19) VCF-style: chr16-2114289-C-T.
Other names: c.1460C>T, p.Ser487Leu (NM_001077183.3, NM_001114382.3, NM_001363528.2 and 3 more transcripts); c.1349C>T, p.Ser450Leu (NM_001318827.2); c.1313C>T, p.Ser438Leu (NM_001318829.2); c.860C>T, p.Ser287Leu (NM_001318831.2); c.1493C>T, p.Ser498Leu (NM_001318832.2); short protein forms S450L, S438L, S487L, S498L, S287L.
Identifiers: ClinVar variation 1449690 (VCV001449690.8), dbSNP rs2151188579, ClinGen allele CA394325613.